The following is an entry in ClinVar:

NM_005120.3(MED12):c.3122A>G (p.Lys1041Arg)

Gene: MED12 (mediator complex subunit 12; plus strand). Cytogenetic location: Xq13.1.
Variant type: single nucleotide variant.
Coding change: c.3122A>G on transcript NM_005120.3 (MANE Select); coding-DNA position 3122, A replaced by G.
Protein change: p.Lys1041Arg; replaces lysine 1041 with arginine.
Molecular consequence: missense variant.
Genome position (GRCh38, 1-based): chrX:71,128,033, A>G. VCF-style: chrX-71128033-A-G. GRCh37 (hg19) VCF-style: chrX-70347883-A-G.
Other names: short protein forms K1041R.
Identifiers: ClinVar variation 2443433 (VCV002443433.1), dbSNP rs2092307667, ClinGen allele CA413517461.

ClinVar aggregate classification (germline): Uncertain significance (1 of 4 stars; one submission).

Allele frequency attached by ClinVar (database versions not stated): gnomAD exomes below 0.00001; TOPMed below 0.00001.

Submission:

GeneDx
Classification: Uncertain significance. Last evaluated: 2022-09-08. Review status: criteria provided, single submitter. Criteria: GeneDx Variant Classification Process June 2021. Collection method: clinical testing. Allele origin: germline. Affected: yes.
Comment: Not observed at significant frequency in large population cohorts (gnomAD); In silico analysis supports that this missense variant does not alter protein structure/function; Has not been previously published as pathogenic or benign to our knowledge